The following is an entry in ClinVar:

NM_003000.3(SDHB):c.20T>A (p.Leu7His)

Gene: SDHB (succinate dehydrogenase complex iron sulfur subunit B; minus strand). Cytogenetic location: 1p36.13.
Variant type: single nucleotide variant.
Coding change: c.20T>A on transcript NM_003000.3 (MANE Select); coding-DNA position 20, T replaced by A.
Protein change: p.Leu7His; replaces leucine 7 with histidine.
Molecular consequence: missense variant.
Genome position (GRCh38, 1-based): chr1:17,054,000, A>T on the plus strand (T>A on the coding strand, the complement: SDHB is on the minus strand). VCF-style: chr1-17054000-A-T. GRCh37 (hg19) VCF-style: chr1-17380495-A-T.
Other names: short protein forms L7H.
Identifiers: ClinVar variation 1493669 (VCV001493669.8), dbSNP rs778776844, ClinGen allele CA338230847.

ClinVar aggregate classification (germline): Uncertain significance. Review status: criteria provided, multiple submitters, no conflicts (2 of 4 stars). 2 submissions from 2 submitters: Uncertain significance (2). Last evaluated 2021-09-18.

Conditions:
Gastrointestinal stromal tumor. Also called: Gastrointestinal stroma tumor; Gastrointestinal stromal tumor, somatic. Identifiers: Orphanet 44890, MedGen C0238198, MeSH D046152, MONDO:0011719, OMIM 606764, HP:0100723.
Pheochromocytoma/paraganglioma syndrome 4. Also called: CAROTID BODY TUMORS AND MULTIPLE EXTRAADRENAL PHEOCHROMOCYTOMAS; SDHB-Related Hereditary Paraganglioma-Pheochromocytoma Syndrome; PARAGANGLIOMA, FAMILIAL MALIGNANT; PARAGANGLIOMAS, HEREDITARY EXTRAADRENAL; PHEOCHROMOCYTOMA, FAMILIAL EXTRAADRENAL; Paragangliomas 4. Identifiers: Orphanet 29072, MedGen C1861848, MONDO:0007273, OMIM 115310.
Pheochromocytoma. Also called: MAX-Related Hereditary Paraganglioma-Pheochromocytoma Syndrome. Identifiers: Orphanet 29072, MedGen C0031511, MONDO:0008233, OMIM 171300, HP:0002666.
Hereditary cancer-predisposing syndrome. Also called: Hereditary neoplastic syndrome; Tumor predisposition; Hereditary Cancer Syndrome; Neoplastic Syndromes, Hereditary. Identifiers: Orphanet 140162, MedGen C0027672, MeSH D009386, MONDO:0015356.

Submissions (2):

Labcorp Genetics (formerly Invitae), Labcorp
Classification: Uncertain significance for Gastrointestinal stromal tumor; Pheochromocytoma/paraganglioma syndrome 4; Pheochromocytoma. Last evaluated: 2021-09-18. Review status: criteria provided, single submitter. Criteria: Invitae Variant Classification Sherloc (09022015). Collection method: clinical testing. Allele origin: germline.
Comment: This sequence change replaces leucine with histidine at codon 7 of the SDHB protein (p.Leu7His). The leucine residue is weakly conserved and there is a moderate physicochemical difference between leucine and histidine. This variant is not present in population databases (ExAC no frequency). This variant has not been reported in the literature in individuals affected with SDHB-related conditions. Advanced modeling of protein sequence and biophysical properties (such as structural, functional, and spatial information, amino acid conservation, physicochemical variation, residue mobility, and thermodynamic stability) performed at Invitae indicates that this missense variant is not expected to disrupt SDHB protein function. In summary, the available evidence is currently insufficient to determine the role of this variant in disease. Therefore, it has been classified as a Variant of Uncertain Significance.

Ambry Genetics
Classification: Uncertain significance for Hereditary cancer-predisposing syndrome. Last evaluated: 2020-05-27. Review status: criteria provided, single submitter. Criteria: Ambry Variant Classification Scheme 2023. Collection method: clinical testing. Allele origin: germline.
Comment: The p.L7H variant (also known as c.20T>A), located in coding exon 1 of the SDHB gene, results from a T to A substitution at nucleotide position 20. The leucine at codon 7 is replaced by histidine, an amino acid with similar properties. This amino acid position is poorly conserved in available vertebrate species. In addition, the in silico prediction for this alteration is inconclusive. Since supporting evidence is limited at this time, the clinical significance of this alteration remains unclear.